The following is an entry in ClinVar:

ClinVar aggregate classification (germline): Uncertain significance (1 of 4 stars; one submission).

Submission:

GeneDx
Classification: Uncertain significance. Last evaluated: 2025-06-08. Review status: criteria provided, single submitter. Criteria: GeneDx Variant Classification Process June 2021. Collection method: clinical testing. Allele origin: germline. Affected: yes.
Comment: Not observed at significant frequency in large population cohorts (gnomAD); In silico analysis supports that this missense variant has a deleterious effect on protein structure/function; Has not been previously published as pathogenic or benign to our knowledge

NM_207037.2(TCF12):c.415G>A (p.Gly139Arg)

Gene: TCF12 (transcription factor 12; plus strand). Cytogenetic location: 15q21.3.
Variant type: single nucleotide variant.
Coding change: c.415G>A on transcript NM_207037.2 (MANE Select); coding-DNA position 415, G replaced by A.
Protein change: p.Gly139Arg; replaces glycine 139 with arginine.
Molecular consequence: missense variant. On other transcripts: 5 prime UTR variant (1).
Genome position (GRCh38, 1-based): chr15:57,192,182, G>A. VCF-style: chr15-57192182-G-A. GRCh37 (hg19) VCF-style: chr15-57484380-G-A.
Other names: c.415G>A, p.Gly139Arg (NM_001322151.2, NM_001322152.2, NM_001322157.3 and 7 more transcripts); c.-243G>A (NM_001322154.2); c.241G>A, p.Gly81Arg (NM_001322156.2, NM_001322158.2); c.451G>A, p.Gly151Arg (NM_001322164.2); short protein forms G139R, G151R, G81R.
Identifiers: ClinVar variation 4538005 (VCV004538005.1).